The following is an entry in ClinVar:

NM_024989.4(PGAP1):c.2764A>G (p.Met922Val)

Gene: PGAP1 (post-GPI attachment to proteins inositol deacylase 1; minus strand). Cytogenetic location: 2q33.1.
Variant type: single nucleotide variant.
Coding change: c.2764A>G on transcript NM_024989.4 (MANE Select); coding-DNA position 2764, A replaced by G.
Protein change: p.Met922Val; replaces methionine 922 with valine.
Molecular consequence: missense variant.
Genome position (GRCh38, 1-based): chr2:196,841,239, T>C on the plus strand (A>G on the coding strand, the complement: PGAP1 is on the minus strand). VCF-style: chr2-196841239-T-C. GRCh37 (hg19) VCF-style: chr2-197705963-T-C.
Other names: c.2242A>G, p.Met748Val (NM_001321099.2); c.1597A>G, p.Met533Val (NM_001321100.2); c.2764A>G (NM_024989.3); short protein forms M533V, M748V, M922V.
Identifiers: ClinVar variation 1962147 (VCV001962147.6), dbSNP rs768633076, ClinGen allele CA2040542.

ClinVar aggregate classification (germline): Uncertain significance. Review status: criteria provided, multiple submitters, no conflicts (2 of 4 stars). 2 submissions from 2 submitters: Uncertain significance (2). Last evaluated 2025-05-13.

Conditions:
Inborn genetic diseases. Identifiers: MedGen C0950123, MeSH D030342.
Intellectual disability, autosomal recessive 42 (NEDDSBA). Also called: GLYCOSYLPHOSPHATIDYLINOSITOL BIOSYNTHESIS DEFECT 9; Neurodevelopmental disorder with dysmorphic features, spasticity, and brain abnormalities. Identifiers: Orphanet 88616, MedGen C4014343, MONDO:0014348, OMIM 615802.

Allele frequency attached by ClinVar (database versions not stated): gnomAD exomes below 0.00001; ExAC 0.00001; TOPMed 0.00001.
gnomAD v4.1: 3 of 1,611,562 alleles (0.00019%); highest among the groups gnomAD compares: Admixed American, 0.0017%; no homozygotes.

Submissions (2):

Ambry Genetics
Classification: Uncertain significance for Inborn genetic diseases. Last evaluated: 2025-05-13. Review status: criteria provided, single submitter. Criteria: Ambry Variant Classification Scheme 2023. Collection method: clinical testing. Allele origin: germline.

Labcorp Genetics (formerly Invitae), Labcorp
Classification: Uncertain significance for Intellectual disability, autosomal recessive 42. Last evaluated: 2022-10-24. Review status: criteria provided, single submitter. Criteria: Invitae Variant Classification Sherloc (09022015). Collection method: clinical testing. Allele origin: germline.
Comment: Algorithms developed to predict the effect of missense changes on protein structure and function (SIFT, PolyPhen-2, Align-GVGD) all suggest that this variant is likely to be tolerated. In summary, the available evidence is currently insufficient to determine the role of this variant in disease. Therefore, it has been classified as a Variant of Uncertain Significance. This variant has not been reported in the literature in individuals affected with PGAP1-related conditions. This variant is present in population databases (rs768633076, gnomAD 0.003%). This sequence change replaces methionine, which is neutral and non-polar, with valine, which is neutral and non-polar, at codon 922 of the PGAP1 protein (p.Met922Val).